The following is an entry in ClinVar:

NM_000065.5(C6):c.1439_1458+10delinsAATTTTG

Gene: C6 (complement C6; minus strand). Cytogenetic location: 5p13.1.
Variant type: Indel.
Coding change: c.1439_1458+10delinsAATTTTG on transcript NM_000065.5 (MANE Select); coding-DNA position 1439 through 10 bases into the intron after coding-DNA position 1458, CTGCTGTGATTGACTTTGAGGTAAGAGTAA replaced by AATTTTG.
Molecular consequence: splice donor variant.
Genome position (GRCh38, 1-based): chr5:41,161,683-41,161,712, TTACTCTTACCTCAAAGTCAATCACAGCAG replaced by CAAAATT on the plus strand (CTGCTGTGATTGACTTTGAGGTAAGAGTAA replaced by AATTTTG on the coding strand, the reverse complement: C6 is on the minus strand). GRCh37 (hg19): chr5:41,161,785-41,161,814.
Other names: c.1439_1458+10delinsAATTTTG (NM_001115131.4).
Identifiers: ClinVar variation 3638583 (VCV003638583.2).

ClinVar aggregate classification (germline): Likely pathogenic (1 of 4 stars; one submission).

Submission:

Labcorp Genetics (formerly Invitae), Labcorp
Classification: Likely pathogenic. Last evaluated: 2024-02-02. Review status: criteria provided, single submitter. Criteria: Invitae Variant Classification Sherloc (09022015). Collection method: clinical testing. Allele origin: germline.
Comment: This variant results in the deletion of part of exon 10 (c.1439_1458+10delinsAATTTTG) of the C6 gene. It is expected to disrupt RNA splicing. Variants that disrupt the donor or acceptor splice site typically lead to a loss of protein function (PMID: 16199547), and loss-of-function variants in C6 are known to be pathogenic (PMID: 17257682). This variant is not present in population databases (gnomAD no frequency). This variant has not been reported in the literature in individuals affected with C6-related conditions. In summary, the currently available evidence indicates that the variant is pathogenic, but additional data are needed to prove that conclusively. Therefore, this variant has been classified as Likely Pathogenic.

Literature cited by the submitters: PubMed 16199547; PubMed 17257682.